The following is an entry in ClinVar:

ClinVar aggregate classification (germline): Uncertain significance (1 of 4 stars; one submission).

Submission:

Women's Health and Genetics/Laboratory Corporation of America, LabCorp
Classification: Uncertain significance. Last evaluated: 2017-09-27. Review status: criteria provided, single submitter. Criteria: LabCorp Variant Classification Summary - May 2015. Collection method: clinical testing. Allele origin: germline.
Comment: Variant summary: The HGSNAT c.-61_-37dup variant involves a 25 bp duplication in the 5-prime UTR. The variant was absent in the control population dataset of gnomAD in 28488 control chromosomes. The variant of interest has not, to our knowledge, been reported in affected individuals via publications and/or reputable databases/clinical diagnostic laboratories; nor evaluated for functional impact by in vivo/vitro studies. Because of the absence of clinical information and the lack of functional studies, the variant is classified as a variant of uncertain significance (VUS).

NC_000008.11:g.43140436_43140460dup

Genes: HGSNAT (heparan-alpha-glucosaminide N-acetyltransferase; plus strand), LOC130000316 (ATAC-STARR-seq lymphoblastoid silent region 19164; plus strand). Cytogenetic location: 8p11.21.
Variant type: Duplication.
Genome position: GRCh38 VCF-style: chr8-43140432-C-CCGCGGCGGAGCAGCGCAGGGCGGGG. GRCh37 (hg19) VCF-style: chr8-42995575-C-CCGCGGCGGAGCAGCGCAGGGCGGGG.
Identifiers: ClinVar variation 633266 (VCV000633266.1), dbSNP rs1451176677, ClinGen allele CA581633145.